The following is an entry in ClinVar:

NM_007192.4(SUPT16H):c.2670C>G (p.Asp890Glu)

Gene: SUPT16H (SPT16 homolog, facilitates chromatin remodeling subunit; minus strand). Cytogenetic location: 14q11.2.
Variant type: single nucleotide variant.
Coding change: c.2670C>G on transcript NM_007192.4 (MANE Select); coding-DNA position 2670, C replaced by G.
Protein change: p.Asp890Glu; replaces aspartic acid 890 with glutamic acid.
Molecular consequence: missense variant.
Genome position (GRCh38, 1-based): chr14:21,354,531, G>C on the plus strand (C>G on the coding strand, the complement: SUPT16H is on the minus strand). VCF-style: chr14-21354531-G-C. GRCh37 (hg19) VCF-style: chr14-21822690-G-C.
Other names: short protein forms D890E.
Identifiers: ClinVar variation 4976602 (VCV004976602.1).

ClinVar aggregate classification (germline): Uncertain significance (1 of 4 stars; one submission).

Submission:

GeneDx
Classification: Uncertain significance. Last evaluated: 2026-02-10. Review status: criteria provided, single submitter. Criteria: GeneDx Variant Classification Process June 2021. Collection method: clinical testing. Allele origin: germline.
Comment: Not observed at significant frequency in large population cohorts (gnomAD); In silico analysis supports that this missense variant has a deleterious effect on protein structure/function; Has not been previously published as pathogenic or benign to our knowledge